The following is an entry in ClinVar:

ClinVar aggregate classification (germline): Uncertain significance (1 of 4 stars; one submission).

gnomAD v4.1: 1 of 1,614,106 alleles (0.000062%); highest among the groups gnomAD compares: Non-Finnish European, 0.000085%; no homozygotes.

Submission:

Labcorp Genetics (formerly Invitae), Labcorp
Classification: Uncertain significance. Last evaluated: 2024-10-22. Review status: criteria provided, single submitter. Criteria: Invitae Variant Classification Sherloc (09022015). Collection method: clinical testing. Allele origin: germline.
Comment: This sequence change replaces glutamic acid, which is acidic and polar, with aspartic acid, which is acidic and polar, at codon 1692 of the POLR1A protein (p.Glu1692Asp). This variant is not present in population databases (gnomAD no frequency). This variant has not been reported in the literature in individuals affected with POLR1A-related conditions. Invitae Evidence Modeling of protein sequence and biophysical properties (such as structural, functional, and spatial information, amino acid conservation, physicochemical variation, residue mobility, and thermodynamic stability) indicates that this missense variant is not expected to disrupt POLR1A protein function with a negative predictive value of 80%. In summary, the available evidence is currently insufficient to determine the role of this variant in disease. Therefore, it has been classified as a Variant of Uncertain Significance.

NM_015425.6(POLR1A):c.5076G>C (p.Glu1692Asp)

Gene: POLR1A (RNA polymerase I subunit A; minus strand). Cytogenetic location: 2p11.2.
Variant type: single nucleotide variant.
Coding change: c.5076G>C on transcript NM_015425.6 (MANE Select); coding-DNA position 5076, G replaced by C.
Protein change: p.Glu1692Asp; replaces glutamic acid 1692 with aspartic acid.
Molecular consequence: missense variant.
Genome position (GRCh38, 1-based): chr2:86,027,510, C>G on the plus strand (G>C on the coding strand, the complement: POLR1A is on the minus strand). VCF-style: chr2-86027510-C-G. GRCh37 (hg19) VCF-style: chr2-86254633-C-G.
Other names: short protein forms E1692D.
Identifiers: ClinVar variation 2999063 (VCV002999063.3), dbSNP rs373389378, ClinGen allele CA347543358.
Genomic context (GRCh38, chr2:86,027,510, plus strand): 5'-CAGGCCTGTCCCGCCCCTGACGACCTTCCCGACCACAAGGCAGGCAGAAGGAGACCTCAG[C>G]TCATCGTGGGATCCTGACAGAGACACAAAAACATGTGTCAGGGTGTTGAGGTAGAAGTTG-3'
Protein context (NP_056240.2, residues 1682-1702): KQATMLGSHD[Glu1692Asp]LRSPSACLVV